The following is an entry in ClinVar:

NM_001354712.2(THRB):c.926G>A (p.Cys309Tyr)

Gene: THRB (thyroid hormone receptor beta; minus strand). Cytogenetic location: 3p24.2.
Variant type: single nucleotide variant.
Coding change: c.926G>A on transcript NM_001354712.2 (MANE Select); coding-DNA position 926, G replaced by A.
Protein change: p.Cys309Tyr; replaces cysteine 309 with tyrosine.
Molecular consequence: missense variant.
Genome position (GRCh38, 1-based): chr3:24,127,717, C>T on the plus strand (G>A on the coding strand, the complement: THRB is on the minus strand). VCF-style: chr3-24127717-C-T. GRCh37 (hg19) VCF-style: chr3-24169208-C-T.
Other names: c.926G>A, p.Cys309Tyr (NM_000461.5, NM_001128176.3, NM_001128177.2 and 12 more transcripts); c.833G>A, p.Cys278Tyr (NM_001354714.2, NM_001354715.2); short protein forms C278Y, C309Y.
Identifiers: ClinVar variation 3340414 (VCV003340414.1).

ClinVar aggregate classification (germline): Uncertain significance (1 of 4 stars; one submission).

Submission:

GeneDx
Classification: Uncertain significance. Last evaluated: 2023-05-03. Review status: criteria provided, single submitter. Criteria: GeneDx Variant Classification Process June 2021. Collection method: clinical testing. Allele origin: germline. Affected: yes.
Comment: Reported in association with THRB-related resistance to thyroid hormone (HGMD); In silico analysis supports that this missense variant has a deleterious effect on protein structure/function; Not observed at significant frequency in large population cohorts (gnomAD); This variant is associated with the following publications: (PMID: 35738449, 11458173)